The following is an entry in ClinVar:

ClinVar aggregate classification (germline): Uncertain significance (1 of 4 stars; one submission).

Submission:

Labcorp Genetics (formerly Invitae), Labcorp
Classification: Uncertain significance. Last evaluated: 2023-07-28. Review status: criteria provided, single submitter. Criteria: Invitae Variant Classification Sherloc (09022015). Collection method: clinical testing. Allele origin: germline.
Comment: Advanced modeling of protein sequence and biophysical properties (such as structural, functional, and spatial information, amino acid conservation, physicochemical variation, residue mobility, and thermodynamic stability) performed at Invitae indicates that this missense variant is expected to disrupt PHEX protein function. In summary, the available evidence is currently insufficient to determine the role of this variant in disease. Therefore, it has been classified as a Variant of Uncertain Significance. This variant has not been reported in the literature in individuals affected with PHEX-related conditions. This variant is not present in population databases (gnomAD no frequency). This sequence change replaces aspartic acid, which is acidic and polar, with histidine, which is basic and polar, at codon 600 of the PHEX protein (p.Asp600His).

NM_000444.6(PHEX):c.1798G>C (p.Asp600His)

Genes: PHEX (phosphate regulating endopeptidase X-linked; plus strand), PTCHD1-AS (PTCHD1 and PHEX antisense RNA; minus strand). Cytogenetic location: Xp22.11.
Variant type: single nucleotide variant.
Coding change: c.1798G>C on transcript NM_000444.6 (MANE Select); coding-DNA position 1798, G replaced by C.
Protein change: p.Asp600His; replaces aspartic acid 600 with histidine.
Molecular consequence: missense variant.
Genome position (GRCh38, 1-based): chrX:22,221,642, G>C. VCF-style: chrX-22221642-G-C. GRCh37 (hg19) VCF-style: chrX-22239759-G-C.
Other names: c.1798G>C, p.Asp600His (NM_001282754.2); short protein forms D600H.
Identifiers: ClinVar variation 2744604 (VCV002744604.3), dbSNP rs1352160426, ClinGen allele CA412573550.